The following is an entry in ClinVar:

ClinVar aggregate classification (germline): Pathogenic (1 of 4 stars; one submission).

Conditions:
Early-infantile DEE. Also called: Early infantile epileptic encephalopathy; Early infantile epileptic encephalopathy with suppression bursts; Ohtahara syndrome. Identifiers: Orphanet 1934, MedGen C0393706, MONDO:0800491.

Submission:

Labcorp Genetics (formerly Invitae), Labcorp
Classification: Pathogenic for Early-infantile DEE. Last evaluated: 2022-02-08. Review status: criteria provided, single submitter. Criteria: Invitae Variant Classification Sherloc (09022015). Collection method: clinical testing. Allele origin: germline.
Comment: This sequence change creates a premature translational stop signal (p.Glu347Serfs*11) in the SCN1A gene. It is expected to result in an absent or disrupted protein product. Loss-of-function variants in SCN1A are known to be pathogenic (PMID: 17347258, 18930999). This variant is not present in population databases (gnomAD no frequency). This variant has not been reported in the literature in individuals affected with SCN1A-related conditions. For these reasons, this variant has been classified as Pathogenic.

Literature cited by the submitters: PubMed 17347258; PubMed 18930999.

NM_001165963.4(SCN1A):c.1035_1038dup (p.Glu347fs)

Gene: SCN1A (sodium voltage-gated channel alpha subunit 1; minus strand). Cytogenetic location: 2q24.3.
Variant type: Duplication.
Coding change: c.1035_1038dup on transcript NM_001165963.4 (MANE Select); coding-DNA positions 1035 to 1038, 4 bases duplicated (TCCA; older notation c.1035_1038dupTCCA).
Protein change: p.Glu347fs; shifts the reading frame from glutamic acid 347.
Molecular consequence: frameshift variant. On other transcripts: 5 prime UTR variant (1), non-coding transcript variant (1).
Genome position (GRCh38, 1-based): chr2:166,047,759-166,047,762, TGGA duplicated on the plus strand (TCCA on the coding strand, the reverse complement: SCN1A is on the minus strand). VCF-style (leftmost placement, unchanged base first): chr2-166047758-C-CTGGA. GRCh37 (hg19) VCF-style: chr2-166904268-C-CTGGA.
Other names: c.1035_1038dup, p.Glu347fs (NM_001165964.3, NM_001202435.3, NM_001353948.2 and 10 more transcripts); c.-1391_-1388dup (NM_001353961.2); short protein forms E347fs.
Identifiers: ClinVar variation 2095187 (VCV002095187.4), dbSNP rs2468190605, ClinGen allele CA2580064398.